The following is an entry in ClinVar:

ClinVar aggregate classification (germline): Uncertain significance (1 of 4 stars; one submission).

Conditions:
Baraitser-winter syndrome 2. Identifiers: Orphanet 2995, MedGen C3281235, MONDO:0013812, OMIM 614583.
Autosomal dominant nonsyndromic hearing loss 20. Identifiers: Orphanet 90635, MedGen C1858172, MONDO:0011480, OMIM 604717.

Submission:

Labcorp Genetics (formerly Invitae), Labcorp
Classification: Uncertain significance for Baraitser-winter syndrome 2; Autosomal dominant nonsyndromic hearing loss 20. Last evaluated: 2024-02-17. Review status: criteria provided, single submitter. Criteria: Invitae Variant Classification Sherloc (09022015). Collection method: clinical testing. Allele origin: germline.
Comment: This sequence change replaces serine, which is neutral and polar, with alanine, which is neutral and non-polar, at codon 145 of the ACTG1 protein (p.Ser145Ala). This variant is not present in population databases (gnomAD no frequency). This variant has not been reported in the literature in individuals affected with ACTG1-related conditions. ClinVar contains an entry for this variant (Variation ID: 1462182). Advanced modeling of protein sequence and biophysical properties (such as structural, functional, and spatial information, amino acid conservation, physicochemical variation, residue mobility, and thermodynamic stability) performed at Invitae indicates that this missense variant is not expected to disrupt ACTG1 protein function with a negative predictive value of 80%. This variant disrupts the p.Ser145 amino acid residue in ACTG1. Other variant(s) that disrupt this residue have been observed in individuals with ACTG1-related conditions (PMID: 29196752, 29986705), which suggests that this may be a clinically significant amino acid residue. In summary, the available evidence is currently insufficient to determine the role of this variant in disease. Therefore, it has been classified as a Variant of Uncertain Significance.

Literature cited by the submitters: PubMed 29196752; PubMed 29986705.

NM_001614.5(ACTG1):c.433T>G (p.Ser145Ala)

Gene: ACTG1 (actin gamma 1; minus strand). Cytogenetic location: 17q25.3.
Variant type: single nucleotide variant.
Coding change: c.433T>G on transcript NM_001614.5 (MANE Select); coding-DNA position 433, T replaced by G.
Protein change: p.Ser145Ala; replaces serine 145 with alanine.
Molecular consequence: missense variant. On other transcripts: non-coding transcript variant (1).
Genome position (GRCh38, 1-based): chr17:81,511,557, A>C on the plus strand (T>G on the coding strand, the complement: ACTG1 is on the minus strand). VCF-style: chr17-81511557-A-C. GRCh37 (hg19) VCF-style: chr17-79478583-A-C.
Other names: c.433T>G, p.Ser145Ala (NM_001199954.3); short protein forms S145A.
Identifiers: ClinVar variation 1462182 (VCV001462182.6), dbSNP rs2143779284, ClinGen allele CA401461219.